The following is an entry in ClinVar:

ClinVar aggregate classification (germline): Pathogenic (1 of 4 stars; one submission).

Submission:

Labcorp Genetics (formerly Invitae), Labcorp
Classification: Pathogenic. Last evaluated: 2023-08-05. Review status: criteria provided, single submitter. Criteria: Invitae Variant Classification Sherloc (09022015). Collection method: clinical testing. Allele origin: germline.
Comment: This variant has not been reported in the literature in individuals affected with RARS2-related conditions. This variant is present in population databases (rs775648499, gnomAD 0.0009%). This sequence change creates a premature translational stop signal (p.Cys11Alafs*7) in the RARS2 gene. It is expected to result in an absent or disrupted protein product. Loss-of-function variants in RARS2 are known to be pathogenic (PMID: 17847012, 22569581, 26083569). For these reasons, this variant has been classified as Pathogenic.

Literature cited by the submitters: PubMed 17847012; PubMed 22569581; PubMed 26083569.

NM_020320.5(RARS2):c.31del (p.Cys11fs)

Gene: RARS2 (arginyl-tRNA synthetase 2, mitochondrial; minus strand). Cytogenetic location: 6q15.
Variant type: Deletion.
Coding change: c.31del on transcript NM_020320.5 (MANE Select); coding-DNA position 31, one base deleted (T; older notation c.31delT).
Protein change: p.Cys11fs; shifts the reading frame from cysteine 11.
Molecular consequence: frameshift variant. On other transcripts: 5 prime UTR variant (7), non-coding transcript variant (23).
Genome position (GRCh38, 1-based): chr6:87,589,927, A deleted on the plus strand (T on the coding strand, the reverse complement: RARS2 is on the minus strand); the first of 2 consecutive A bases (chr6:87,589,927-87,589,928); deleting either gives the same sequence. VCF-style (leftmost placement, unchanged base first): chr6-87589926-CA-C. GRCh37 (hg19) VCF-style: chr6-88299644-CA-C.
Other names: c.-660del (NM_001318785.2); c.31del, p.Cys11fs (NM_001350505.2); c.-716del (NM_001350506.2, NM_001350510.2); c.-839del (NM_001350507.2); c.-878del (NM_001350508.2); c.-586del (NM_001350509.2); c.-835del (NM_001350511.2); short protein forms C11fs.
Identifiers: ClinVar variation 2746343 (VCV002746343.3), dbSNP rs775648499, ClinGen allele CA3916838.
Genomic context (GRCh38, chr6:87,589,926, plus strand): 5'-GGCCTTTGGGGTCCCTAGCTCCTCAGGGACTCCTCTGCGCGCTCCGGGATCCATACCTGG[CA>C]AGCAATAGCGCGGCGAAAGCCGCACGCCATGTCCACCTCTACGGAAGTGCGCCGCAGTCC-3'